The following is an entry in ClinVar:

NM_001130082.3(PLXNB1):c.3507G>A (p.Pro1169=)

Gene: PLXNB1 (plexin B1; minus strand). Cytogenetic location: 3p21.31.
Variant type: single nucleotide variant.
Coding change: c.3507G>A on transcript NM_001130082.3 (MANE Select); coding-DNA position 3507, G replaced by A.
Protein change: p.Pro1169=; no amino-acid change (proline 1169 retained).
Molecular consequence: synonymous variant.
Genome position (GRCh38, 1-based): chr3:48,416,141, C>T on the plus strand (G>A on the coding strand, the complement: PLXNB1 is on the minus strand). VCF-style: chr3-48416141-C-T. GRCh37 (hg19) VCF-style: chr3-48457550-C-T.
Other names: c.3507G>A, p.Pro1169= (NM_002673.6).
Identifiers: ClinVar variation 4981444 (VCV004981444.1).
Genomic context (GRCh38, chr3:48,416,141, plus strand): 5'-AGTCAGGAGCTTGGAGCCATTCAGGGTGAGACGGGTGCCCCCAGCTCTGGGGCCGCGGGC[C>T]GGGAAGATGGAATGGACCTTCGGATCCTGTGGGACAGACAGGGAGAGAGATGAGCATCAG-3'
Protein context (NP_001123554.1, residues 1159-1179): YQDPKVHSIF[Pro1169=]ARGPRAGGTR

ClinVar aggregate classification (germline): Likely benign (1 of 4 stars; one submission).

Conditions:
PLXNB1-related disorder. Also called: PLXNB1-related condition.

Submission:

PreventionGenetics, part of Exact Sciences
Classification: Likely benign for PLXNB1-related condition. Last evaluated: 2026-05-01. Review status: criteria provided, single submitter. Criteria: ACMG Guidelines, 2015. Collection method: clinical testing. Allele origin: germline.
Comment: This variant is classified as likely benign based on ACMG/AMP sequence variant interpretation guidelines (Richards et al. 2015 PMID: 25741868, with internal and published modifications).